The following is an entry in ClinVar:

ClinVar aggregate classification (germline): Uncertain significance. Review status: criteria provided, multiple submitters, no conflicts (2 of 4 stars). 2 submissions from 2 submitters: Uncertain significance (2). Last evaluated 2025-04-08.

Conditions:
Familial sleep-related hypermotor epilepsy. Also called: Autosomal Dominant Sleep-Related Hypermotor (Hyperkinetic) Epilepsy. Identifiers: Orphanet 98784, MedGen C3696898, MONDO:0000030.
Inborn genetic diseases. Identifiers: MedGen C0950123, MeSH D030342.

Submissions (2):

Ambry Genetics
Classification: Uncertain significance for Inborn genetic diseases. Last evaluated: 2025-04-08. Review status: criteria provided, single submitter. Criteria: Ambry Variant Classification Scheme 2023. Collection method: clinical testing. Allele origin: germline.

Labcorp Genetics (formerly Invitae), Labcorp
Classification: Uncertain significance. Last evaluated: 2024-12-17. Review status: criteria provided, single submitter. Criteria: Invitae Variant Classification Sherloc (09022015). Collection method: clinical testing. Allele origin: germline.
Comment: This sequence change replaces glutamic acid, which is acidic and polar, with glutamine, which is neutral and polar, at codon 37 of the CHRNA4 protein (p.Glu37Gln). This variant is not present in population databases (gnomAD no frequency). This variant has not been reported in the literature in individuals affected with CHRNA4-related conditions. ClinVar contains an entry for this variant (Variation ID: 1988804). Invitae Evidence Modeling of protein sequence and biophysical properties (such as structural, functional, and spatial information, amino acid conservation, physicochemical variation, residue mobility, and thermodynamic stability) indicates that this missense variant is not expected to disrupt CHRNA4 protein function with a negative predictive value of 80%. In summary, the available evidence is currently insufficient to determine the role of this variant in disease. Therefore, it has been classified as a Variant of Uncertain Significance.

NM_000744.7(CHRNA4):c.109G>C (p.Glu37Gln)

Gene: CHRNA4 (cholinergic receptor nicotinic alpha 4 subunit; minus strand). Cytogenetic location: 20q13.33.
Variant type: single nucleotide variant.
Coding change: c.109G>C on transcript NM_000744.7 (MANE Select); coding-DNA position 109, G replaced by C.
Protein change: p.Glu37Gln; replaces glutamic acid 37 with glutamine.
Molecular consequence: missense variant. On other transcripts: 5 prime UTR variant (1), non-coding transcript variant (1).
Genome position (GRCh38, 1-based): chr20:63,359,667, C>G on the plus strand (G>C on the coding strand, the complement: CHRNA4 is on the minus strand). VCF-style: chr20-63359667-C-G. GRCh37 (hg19) VCF-style: chr20-61991019-C-G.
Other names: c.109G>C (NM_000744.5); c.-438G>C (NM_001256573.2); short protein forms E37Q.
Identifiers: ClinVar variation 1988804 (VCV001988804.5), dbSNP rs778087682, ClinGen allele CA409643886.